The following is an entry in ClinVar:

ClinVar aggregate classification (germline): Uncertain significance (1 of 4 stars; one submission).

Allele frequency attached by ClinVar (database versions not stated): gnomAD exomes below 0.00001.
gnomAD v4.1: 14 of 1,612,990 alleles (0.00087%); highest among the groups gnomAD compares: Non-Finnish European, 0.001%; no homozygotes.

Submission:

Labcorp Genetics (formerly Invitae), Labcorp
Classification: Uncertain significance. Last evaluated: 2024-05-20. Review status: criteria provided, single submitter. Criteria: Invitae Variant Classification Sherloc (09022015). Collection method: clinical testing. Allele origin: germline.
Comment: This sequence change replaces asparagine, which is neutral and polar, with lysine, which is basic and polar, at codon 426 of the GRM7 protein (p.Asn426Lys). This variant is present in population databases (no rsID available, gnomAD 0.0009%). This variant has not been reported in the literature in individuals affected with GRM7-related conditions. ClinVar contains an entry for this variant (Variation ID: 1351165). Advanced modeling of protein sequence and biophysical properties (such as structural, functional, and spatial information, amino acid conservation, physicochemical variation, residue mobility, and thermodynamic stability) performed at Invitae indicates that this missense variant is not expected to disrupt GRM7 protein function with a negative predictive value of 80%. In summary, the available evidence is currently insufficient to determine the role of this variant in disease. Therefore, it has been classified as a Variant of Uncertain Significance.

NM_000844.4(GRM7):c.1278C>G (p.Asn426Lys)

Gene: GRM7 (glutamate metabotropic receptor 7; plus strand). Cytogenetic location: 3p26.1.
Variant type: single nucleotide variant.
Coding change: c.1278C>G on transcript NM_000844.4 (MANE Select); coding-DNA position 1278, C replaced by G.
Protein change: p.Asn426Lys; replaces asparagine 426 with lysine.
Molecular consequence: missense variant.
Genome position (GRCh38, 1-based): chr3:7,452,710, C>G. VCF-style: chr3-7452710-C-G. GRCh37 (hg19) VCF-style: chr3-7494397-C-G.
Other names: c.1278C>G, p.Asn426Lys (NM_181874.3); short protein forms N426K.
Identifiers: ClinVar variation 1351165 (VCV001351165.8), dbSNP rs1424400268, ClinGen allele CA351798587.